The following is an entry in ClinVar:

NM_000051.4(ATM):c.2245G>A (p.Ala749Thr)

Gene: ATM (ATM serine/threonine kinase; plus strand). Cytogenetic location: 11q22.3.
Variant type: single nucleotide variant.
Coding change: c.2245G>A on transcript NM_000051.4 (MANE Select); coding-DNA position 2245, G replaced by A.
Protein change: p.Ala749Thr; replaces alanine 749 with threonine.
Molecular consequence: missense variant.
Genome position (GRCh38, 1-based): chr11:108,256,335, G>A. VCF-style: chr11-108256335-G-A. GRCh37 (hg19) VCF-style: chr11-108127062-G-A.
Other names: c.2245G>A, p.Ala749Thr (NM_001351834.2); short protein forms A749T.
Identifiers: ClinVar variation 233058 (VCV000233058.11), dbSNP rs876660163, ClinGen allele CA10579043.
Genomic context (GRCh38, chr11:108,256,335, plus strand): 5'-TACTGTTACATGGGTGTAATAGCTGAAGAGGAAGCATATAAGTCAGAATTATTCCAGAAA[G>A]CCAAGGTAGGAGAATTTATACTAATAAAGTTTCGGATAAATTTGAATGAAATGTATTCCT-3'
Protein context (NP_000042.3, residues 739-759): EAYKSELFQK[Ala749Thr]KSLMQCAGES

ClinVar aggregate classification (germline): Uncertain significance. Review status: criteria provided, multiple submitters, no conflicts (2 of 4 stars). 2 submissions from 2 submitters: Uncertain significance (2). Last evaluated 2021-11-16.

Conditions:
Ataxia-telangiectasia syndrome (AT). Also called: Ataxia telangiectasia (A-T); Ataxia-telangiectasia, complementation group E; LOUIS-BAR SYNDROME; Cerebello-oculocutaneous telangiectasia; Immunodeficiency with ataxia telangiectasia; Ataxia-telangiectasia, complementation group D. Identifiers: Orphanet 100, MedGen C0004135, MONDO:0008840, OMIM 208900.
Hereditary cancer-predisposing syndrome. Also called: Hereditary Cancer Syndrome; Neoplastic Syndromes, Hereditary; Tumor predisposition; Hereditary neoplastic syndrome. Identifiers: Orphanet 140162, MedGen C0027672, MeSH D009386, MONDO:0015356.

Submissions (2):

Labcorp Genetics (formerly Invitae), Labcorp
Classification: Uncertain significance for Ataxia-telangiectasia syndrome. Last evaluated: 2021-11-16. Review status: criteria provided, single submitter. Criteria: Invitae Variant Classification Sherloc (09022015). Collection method: clinical testing. Allele origin: germline.
Comment: In summary, the available evidence is currently insufficient to determine the role of this variant in disease. Therefore, it has been classified as a Variant of Uncertain Significance. Advanced modeling of protein sequence and biophysical properties (such as structural, functional, and spatial information, amino acid conservation, physicochemical variation, residue mobility, and thermodynamic stability) performed at Invitae indicates that this missense variant is not expected to disrupt ATM protein function. ClinVar contains an entry for this variant (Variation ID: 233058). This variant has not been reported in the literature in individuals affected with ATM-related conditions. This variant is not present in population databases (gnomAD no frequency). This sequence change replaces alanine, which is neutral and non-polar, with threonine, which is neutral and polar, at codon 749 of the ATM protein (p.Ala749Thr).

Ambry Genetics
Classification: Uncertain significance for Hereditary cancer-predisposing syndrome. Last evaluated: 2020-12-22. Review status: criteria provided, single submitter. Criteria: Ambry Variant Classification Scheme 2023. Collection method: clinical testing. Allele origin: germline.
Comment: The p.A749T variant (also known as c.2245G>A), located in coding exon 13 of the ATM gene, results from a G to A substitution at nucleotide position 2245. The alanine at codon 749 is replaced by threonine, an amino acid with similar properties. This amino acid position is highly conserved in available vertebrate species. In addition, the in silico prediction for this alteration is inconclusive. Since supporting evidence is limited at this time, the clinical significance of this alteration remains unclear.